The following is an entry in ClinVar:

NM_080732.4(EGLN2):c.305A>G (p.Lys102Arg)

Genes: EGLN2 (egl-9 family hypoxia inducible factor 2; plus strand), RAB4B-EGLN2 (RAB4B-EGLN2 readthrough (NMD candidate); plus strand). Cytogenetic location: 19q13.2.
Variant type: single nucleotide variant.
Coding change: c.305A>G on transcript NM_080732.4 (MANE Select); coding-DNA position 305, A replaced by G.
Protein change: p.Lys102Arg; replaces lysine 102 with arginine.
Molecular consequence: missense variant. On other transcripts: non-coding transcript variant (1).
Genome position (GRCh38, 1-based): chr19:40,800,877, A>G. VCF-style: chr19-40800877-A-G. GRCh37 (hg19) VCF-style: chr19-41306782-A-G.
Other names: c.305A>G, p.Lys102Arg (NM_053046.4); short protein forms K102R.
Identifiers: ClinVar variation 3228996 (VCV003228996.1), dbSNP rs2515993504, ClinGen allele CA405954976.

ClinVar aggregate classification (germline): Uncertain significance (1 of 4 stars; one submission).

Submission:

Ambry Genetics
Classification: Uncertain significance. Last evaluated: 2024-03-02. Review status: criteria provided, single submitter. Criteria: Ambry Variant Classification Scheme 2023. Collection method: clinical testing. Allele origin: germline.
Comment: The p.K102R variant (also known as c.305A>G), located in coding exon 1 of the EGLN2 gene, results from an A to G substitution at nucleotide position 305. The lysine at codon 102 is replaced by arginine, an amino acid with highly similar properties. This amino acid position is conserved. In addition, this alteration is predicted to be tolerated by in silico analysis. Based on the available evidence, the clinical significance of this alteration remains unclear.